The following is an entry in ClinVar:

NM_001845.6(COL4A1):c.4571C>G (p.Ser1524Cys)

Gene: COL4A1 (collagen type IV alpha 1 chain; minus strand). Cytogenetic location: 13q34.
Variant type: single nucleotide variant.
Coding change: c.4571C>G on transcript NM_001845.6 (MANE Select); coding-DNA position 4571, C replaced by G.
Protein change: p.Ser1524Cys; replaces serine 1524 with cysteine.
Molecular consequence: missense variant.
Genome position (GRCh38, 1-based): chr13:110,161,261, G>C on the plus strand (C>G on the coding strand, the complement: COL4A1 is on the minus strand). VCF-style: chr13-110161261-G-C. GRCh37 (hg19) VCF-style: chr13-110813608-G-C.
Other names: short protein forms S1524C.
Identifiers: ClinVar variation 3719551 (VCV003719551.2).
Genomic context (GRCh38, chr13:110,161,261, plus strand): 5'-AATGGTCTTATGTTTTCCCCCGTGATGGGTGCCATTGACATGGGCATGGGCTCAGGGGTG[G>C]ACAGCCAGTACGAGTAGTCATTTCGTGATGCAAAGTTGCACACGTTGTTAATATTGCAGA-3'
Protein context (NP_001836.3, residues 1514-1534): ASRNDYSYWL[Ser1524Cys]TPEPMPMSMA

ClinVar aggregate classification (germline): Uncertain significance (1 of 4 stars; one submission).

Submission:

Labcorp Genetics (formerly Invitae), Labcorp
Classification: Uncertain significance. Last evaluated: 2025-01-05. Review status: criteria provided, single submitter. Criteria: Invitae Variant Classification Sherloc (09022015). Collection method: clinical testing. Allele origin: germline.
Comment: This sequence change replaces serine, which is neutral and polar, with cysteine, which is neutral and slightly polar, at codon 1524 of the COL4A1 protein (p.Ser1524Cys). This variant is not present in population databases (gnomAD no frequency). This variant has not been reported in the literature in individuals affected with COL4A1-related conditions. Invitae Evidence Modeling of protein sequence and biophysical properties (such as structural, functional, and spatial information, amino acid conservation, physicochemical variation, residue mobility, and thermodynamic stability) indicates that this missense variant is expected to disrupt COL4A1 protein function with a positive predictive value of 95%. In summary, the available evidence is currently insufficient to determine the role of this variant in disease. Therefore, it has been classified as a Variant of Uncertain Significance.